The following is an entry in ClinVar:

NM_002439.5(MSH3):c.753del (p.Glu251fs)

Gene: MSH3 (mutS homolog 3; plus strand). Cytogenetic location: 5q14.1.
Variant type: Deletion.
Coding change: c.753del on transcript NM_002439.5 (MANE Select); coding-DNA position 753, one base deleted (A; older notation c.753delA).
Protein change: p.Glu251fs; shifts the reading frame from glutamic acid 251.
Molecular consequence: frameshift variant.
Genome position (GRCh38, 1-based): chr5:80,670,270, A deleted; the last of 2 consecutive A bases (chr5:80,670,269-80,670,270); deleting either gives the same sequence. VCF-style (leftmost placement, unchanged base first): chr5-80670268-GA-G. GRCh37 (hg19) VCF-style: chr5-79966087-GA-G.
Other names: short protein forms E251fs.
Identifiers: ClinVar variation 3904731 (VCV003904731.1).

ClinVar aggregate classification (germline): Pathogenic (1 of 4 stars; one submission).

Conditions:
Familial adenomatous polyposis 4 (FAP4). Also called: MSH3-related attenuated familial adenomatous polyposis. Identifiers: Orphanet 480536, MedGen C4310719, MONDO:0044300, OMIM 617100.

Submission:

Myriad Genetics, Inc.
Classification: Pathogenic for Familial adenomatous polyposis 4. Last evaluated: 2025-02-26. Review status: criteria provided, single submitter. Criteria: Myriad Autosomal Dominant, Autosomal Recessive and X-Linked Classification Criteria (2023). Collection method: clinical testing. Allele origin: unknown.
Comment: This variant is considered pathogenic. This variant creates a frameshift predicted to result in premature protein truncation.